The following is an entry in ClinVar:

NM_001009944.3(PKD1):c.7213T>G (p.Trp2405Gly)

Genes: MIR6511B1 (microRNA 6511b-1; minus strand), PKD1 (polycystin 1, transient receptor potential channel interacting; minus strand). Cytogenetic location: 16p13.3.
Variant type: single nucleotide variant.
Coding change: c.7213T>G on transcript NM_001009944.3 (MANE Select); coding-DNA position 7213, T replaced by G.
Protein change: p.Trp2405Gly; replaces tryptophan 2405 with glycine.
Molecular consequence: missense variant. On other transcripts: non-coding transcript variant (1).
Genome position (GRCh38, 1-based): chr16:2,106,674, A>C on the plus strand (T>G on the coding strand, the complement: PKD1 is on the minus strand). VCF-style: chr16-2106674-A-C. GRCh37 (hg19) VCF-style: chr16-2156675-A-C.
Other names: c.7213T>G, p.Trp2405Gly (NM_000296.4); short protein forms W2405G.
Identifiers: ClinVar variation 2634378 (VCV002634378.1), dbSNP rs2544782481, ClinGen allele CA394371295.

ClinVar aggregate classification (germline): Likely pathogenic (1 of 4 stars; one submission).

Conditions:
PKD1-related disorder. Also called: PKD1-related condition.

Submission:

PreventionGenetics, part of Exact Sciences
Classification: Likely pathogenic for PKD1-related condition. Last evaluated: 2023-09-11. Review status: criteria provided, single submitter. Criteria: ACMG Guidelines, 2015. Collection method: clinical testing. Allele origin: germline.
Comment: The PKD1 c.7213T>G variant is predicted to result in the amino acid substitution p.Trp2405Gly. To our knowledge, this variant has not been reported in the literature or in a large population database, indicating this variant is rare. Alternate nucleotide changes affecting the same amino acid (p.Trp2405Cys and p.Trp2405Leu) have been reported in individuals with polycystic kidney disease (Liu et al. 2015. PubMed ID: 26632257; Carrera et al. 2016. PubMed ID: 27499327; Benson. 2021. PubMed ID: 33454723). The c.7213T>G (p.Trp2405Gly) variant is interpreted as likely pathogenic.